The following is an entry in ClinVar:

ClinVar aggregate classification (germline): Uncertain significance (1 of 4 stars; one submission).

Allele frequency attached by ClinVar (database versions not stated): gnomAD exomes below 0.00001; TOPMed below 0.00001.
gnomAD v4.1: 4 of 1,614,092 alleles (0.00025%); highest among the groups gnomAD compares: Non-Finnish European, 0.00034%; no homozygotes.

Submission:

Labcorp Genetics (formerly Invitae), Labcorp
Classification: Uncertain significance. Last evaluated: 2025-06-17. Review status: criteria provided, single submitter. Criteria: Invitae Variant Classification Sherloc (09022015). Collection method: clinical testing. Allele origin: germline.
Comment: This sequence change replaces arginine, which is basic and polar, with glutamine, which is neutral and polar, at codon 409 of the PRPF8 protein (p.Arg409Gln). This variant is present in population databases (no rsID available, gnomAD 0.0009%). This variant has not been reported in the literature in individuals affected with PRPF8-related conditions. ClinVar contains an entry for this variant (Variation ID: 1000289). Invitae Evidence Modeling of protein sequence and biophysical properties (such as structural, functional, and spatial information, amino acid conservation, physicochemical variation, residue mobility, and thermodynamic stability) indicates that this missense variant is not expected to disrupt PRPF8 protein function with a negative predictive value of 80%. In summary, the available evidence is currently insufficient to determine the role of this variant in disease. Therefore, it has been classified as a Variant of Uncertain Significance.

NM_006445.4(PRPF8):c.1226G>A (p.Arg409Gln)

Gene: PRPF8 (pre-mRNA processing factor 8; minus strand). Cytogenetic location: 17p13.3.
Variant type: single nucleotide variant.
Coding change: c.1226G>A on transcript NM_006445.4 (MANE Select); coding-DNA position 1226, G replaced by A.
Protein change: p.Arg409Gln; replaces arginine 409 with glutamine.
Molecular consequence: missense variant.
Genome position (GRCh38, 1-based): chr17:1,679,672, C>T on the plus strand (G>A on the coding strand, the complement: PRPF8 is on the minus strand). VCF-style: chr17-1679672-C-T. GRCh37 (hg19) VCF-style: chr17-1582966-C-T.
Other names: short protein forms R409Q.
Identifiers: ClinVar variation 1000289 (VCV001000289.5), dbSNP rs1330263474, ClinGen allele CA397563209.